The following is an entry in ClinVar:

ClinVar aggregate classification (germline): Likely benign. Review status: criteria provided, multiple submitters, no conflicts (2 of 4 stars). 5 submissions from 5 submitters: Likely benign (5). Last evaluated 2026-04-06.

Conditions:
DNAJB2-related disorder. Also called: DNAJB2-related condition.
Inborn genetic diseases. Identifiers: MedGen C0950123, MeSH D030342.
Charcot-Marie-Tooth disease. Also called: Charcot-Marie-Tooth Neuropathy; Charcot-Marie-Tooth Hereditary Neuropathy. Identifiers: Orphanet 166, MedGen C0007959, MONDO:0015626.
Neuronopathy, distal hereditary motor, autosomal recessive 5. Also called: Spinal muscular atrophy, distal, autosomal recessive, 5; Young adult-onset distal hereditary motor neuropathy; NEUROPATHY, DISTAL HEREDITARY MOTOR, AUTOSOMAL RECESSIVE 5. Identifiers: Orphanet 314485, Orphanet 443950, MedGen C4749918, MONDO:0013947, OMIM 614881.

Allele frequency attached by ClinVar (database versions not stated): gnomAD exomes 0.00001; gnomAD 0.00002; TOPMed 0.00002.
gnomAD v4.1: 25 of 1,613,346 alleles (0.0015%); highest among the groups gnomAD compares: East Asian, 0.02%; 1 homozygote.

Submissions (5):

PreventionGenetics, part of Exact Sciences
Classification: Likely benign for DNAJB2-related condition. Last evaluated: 2026-04-06. Review status: criteria provided, single submitter. Criteria: ACMG Guidelines, 2015. Collection method: clinical testing. Allele origin: germline.
Comment: This variant is classified as likely benign based on ACMG/AMP sequence variant interpretation guidelines (Richards et al. 2015 PMID: 25741868, with internal and published modifications).

Labcorp Genetics (formerly Invitae), Labcorp
Classification: Likely benign for Neuronopathy, distal hereditary motor, autosomal recessive 5. Last evaluated: 2024-02-05. Review status: criteria provided, single submitter. Criteria: Invitae Variant Classification Sherloc (09022015). Collection method: clinical testing. Allele origin: germline.

Ambry Genetics
Classification: Likely benign for Inborn genetic diseases. Last evaluated: 2019-07-11. Review status: criteria provided, single submitter. Criteria: Ambry Variant Classification Scheme 2023. Collection method: clinical testing. Allele origin: germline.

GeneDx
Classification: Likely benign. Last evaluated: 2016-11-23. Review status: criteria provided, single submitter. Criteria: GeneDx Variant Classification (06012015). Collection method: clinical testing. Allele origin: germline. Affected: yes.
Comment: This variant is considered likely benign or benign based on one or more of the following criteria: it is a conservative change, it occurs at a poorly conserved position in the protein, it is predicted to be benign by multiple in silico algorithms, and/or has population frequency not consistent with disease.

Molecular Genetics Laboratory, London Health Sciences Centre
Classification: Likely benign for Charcot-Marie-Tooth disease. Review status: criteria provided, single submitter. Criteria: ACMG Guidelines, 2015. Collection method: clinical testing. Allele origin: germline. Affected: yes.

NM_006736.6(DNAJB2):c.759G>A (p.Glu253=)

Gene: DNAJB2 (DnaJ heat shock protein family (Hsp40) member B2; plus strand). Cytogenetic location: 2q35.
Variant type: single nucleotide variant.
Coding change: c.759G>A on transcript NM_006736.6 (MANE Select); coding-DNA position 759, G replaced by A.
Protein change: p.Glu253=; no amino-acid change (glutamic acid 253 retained).
Molecular consequence: synonymous variant.
Genome position (GRCh38, 1-based): chr2:219,284,771, G>A. VCF-style: chr2-219284771-G-A. GRCh37 (hg19) VCF-style: chr2-220149493-G-A.
Other names: c.759G>A, p.Glu253= (NM_001039550.2).
Identifiers: ClinVar variation 391179 (VCV000391179.14), dbSNP rs775630178, ClinGen allele CA16604391.
Genomic context (GRCh38, chr2:219,284,771, plus strand): 5'-CACTCAGGTCCAGCAGACCCCTGCCTCATGCCCCTTGGACAGCGACCTCTCTGAGGATGA[G>A]GACCTGCAGCTGGCCATGGCCTACAGCCTGTCAGAGATGGAGGCAGCTGGGAAGAAACCC-3'
Protein context (NP_006727.2, residues 243-263): CPLDSDLSED[Glu253=]DLQLAMAYSL